The following is an entry in ClinVar:

ClinVar aggregate classification (germline): Likely benign. Review status: criteria provided, multiple submitters, no conflicts (2 of 4 stars). 2 submissions from 2 submitters: Likely benign (2). Last evaluated 2025-10-20.

Conditions:
Charcot-Marie-Tooth disease type 4. Also called: Charcot-Marie-Tooth disease, type IV; Charcot-Marie-Tooth, Type 4. Identifiers: Orphanet 64749, MedGen C4082197, MONDO:0018995.
NDRG1-related disorder. Also called: NDRG1-related condition.

Allele frequency attached by ClinVar (database versions not stated): TOPMed below 0.00001; ExAC 0.00001; gnomAD 0.00001; gnomAD exomes 0.00001; 1000 Genomes Project 30x 0.00016; 1000 Genomes Project 0.00020.
gnomAD v4.1: 12 of 1,614,156 alleles (0.00074%); highest among the groups gnomAD compares: Middle Eastern, 0.016%; no homozygotes.

Submissions (2):

Labcorp Genetics (formerly Invitae), Labcorp
Classification: Likely benign for Charcot-Marie-Tooth disease type 4. Last evaluated: 2025-10-20. Review status: criteria provided, single submitter. Criteria: Invitae Variant Classification Sherloc (09022015). Collection method: clinical testing. Allele origin: germline.

PreventionGenetics, part of Exact Sciences
Classification: Likely benign for NDRG1-related condition. Last evaluated: 2024-11-19. Review status: criteria provided, single submitter. Criteria: ACMG Guidelines, 2015. Collection method: clinical testing. Allele origin: germline.
Comment: This variant is classified as likely benign based on ACMG/AMP sequence variant interpretation guidelines (Richards et al. 2015 PMID: 25741868, with internal and published modifications).

NM_006096.4(NDRG1):c.237C>T (p.Tyr79=)

Gene: NDRG1 (N-myc downstream regulated 1; minus strand). Cytogenetic location: 8q24.22.
Variant type: single nucleotide variant.
Coding change: c.237C>T on transcript NM_006096.4 (MANE Select); coding-DNA position 237, C replaced by T.
Protein change: p.Tyr79=; no amino-acid change (tyrosine 79 retained).
Molecular consequence: synonymous variant. On other transcripts: 5 prime UTR variant (1).
Genome position (GRCh38, 1-based): chr8:133,262,136, G>A on the plus strand (C>T on the coding strand, the complement: NDRG1 is on the minus strand). VCF-style: chr8-133262136-G-A. GRCh37 (hg19) VCF-style: chr8-134274379-G-A.
Other names: c.237C>T (NM_006096.3); c.237C>T, p.Tyr79= (NM_001135242.2, NM_001374844.1, NM_001374845.1 and 1 more transcripts); c.39C>T, p.Tyr13= (NM_001258432.2, NM_001374847.1); c.-7C>T (NM_001258433.2).
Identifiers: ClinVar variation 1092328 (VCV001092328.10), dbSNP rs199928197, ClinGen allele CA4886841.
Genomic context (GRCh38, chr8:133,262,136, plus strand): 5'-CTGGCCAGGGGCGTCCACGTGGCAGACGGCAAAGTGCTGGGTGATCTCCTGCATGTCCTC[G>A]TAGTTGAAGAGGGGGTTGTAGCAGGTTTTGTCTGAAGAACAGCAGTGAGGGAGAGAAGAG-3'
Protein context (NP_006087.2, residues 69-89): HKTCYNPLFN[Tyr79=]EDMQEITQHF